The following is an entry in ClinVar:

ClinVar aggregate classification (germline): Uncertain significance (1 of 4 stars; one submission).

Allele frequency attached by ClinVar (database versions not stated): gnomAD exomes below 0.00001; TOPMed below 0.00001.
gnomAD v4.1: 1 of 1,613,904 alleles (0.000062%); highest among the groups gnomAD compares: Admixed American, 0.0017%; no homozygotes.

Submission:

GeneDx
Classification: Uncertain significance. Last evaluated: 2023-03-02. Review status: criteria provided, single submitter. Criteria: GeneDx Variant Classification Process June 2021. Collection method: clinical testing. Allele origin: germline. Affected: yes.
Comment: Not observed at significant frequency in large population cohorts (gnomAD); In silico analysis supports that this missense variant does not alter protein structure/function; Occurs in the triple helical domain within an interruption of the canonical Gly-X-Y repeat; Has not been previously published as pathogenic or benign to our knowledge

NM_000091.5(COL4A3):c.1424T>C (p.Leu475Pro)

Genes: COL4A3 (collagen type IV alpha 3 chain; plus strand), MFF-DT (MFF divergent transcript; minus strand). Cytogenetic location: 2q36.3.
Variant type: single nucleotide variant.
Coding change: c.1424T>C on transcript NM_000091.5 (MANE Select); coding-DNA position 1424, T replaced by C.
Protein change: p.Leu475Pro; replaces leucine 475 with proline.
Molecular consequence: missense variant.
Genome position (GRCh38, 1-based): chr2:227,267,008, T>C. VCF-style: chr2-227267008-T-C. GRCh37 (hg19) VCF-style: chr2-228131724-T-C.
Other names: short protein forms L475P.
Identifiers: ClinVar variation 2578283 (VCV002578283.1), dbSNP rs754249385, ClinGen allele CA350870268.
Genomic context (GRCh38, chr2:227,267,008, plus strand): 5'-ACTCAATGTAGCTTTTTAAGTAATGCTAGTATGCTCTCATTGCAGGAGAACCAGGCCTCC[T>C]GTGTACACAGTGCCCTTATATCCCAGGGCCTCCCGGTCTCCCAGGATTGCCAGGGTTACA-3'
Protein context (NP_000082.2, residues 465-485): VDGPKGEPGL[Leu475Pro]CTQCPYIPGP